The following is an entry in ClinVar:

ClinVar aggregate classification (germline): Uncertain significance (1 of 4 stars; one submission).

Conditions:
Hereditary cancer-predisposing syndrome. Also called: Neoplastic Syndromes, Hereditary; Tumor predisposition; Hereditary neoplastic syndrome; Hereditary Cancer Syndrome. Identifiers: Orphanet 140162, MedGen C0027672, MeSH D009386, MONDO:0015356.

gnomAD v4.1: 1 of 1,600,920 alleles (0.000062%); highest among the groups gnomAD compares: Non-Finnish European, 0.000085%; no homozygotes.

Submission:

Ambry Genetics
Classification: Uncertain significance for Hereditary cancer-predisposing syndrome. Last evaluated: 2024-03-11. Review status: criteria provided, single submitter. Criteria: Ambry Variant Classification Scheme 2023. Collection method: clinical testing. Allele origin: germline.
Comment: The p.S12R variant (also known as c.34A>C), located in coding exon 1 of the NF2 gene, results from an A to C substitution at nucleotide position 34. The serine at codon 12 is replaced by arginine, an amino acid with dissimilar properties. This amino acid position is highly conserved in available vertebrate species. In addition, the in silico prediction for this alteration is inconclusive. Based on the available evidence, the clinical significance of this alteration remains unclear.

NM_000268.4(NF2):c.34A>C (p.Ser12Arg)

Gene: NF2 (NF2, moesin-ezrin-radixin like (MERLIN) tumor suppressor; plus strand). Cytogenetic location: 22q12.2.
Variant type: single nucleotide variant.
Coding change: c.34A>C on transcript NM_000268.4 (MANE Select); coding-DNA position 34, A replaced by C.
Protein change: p.Ser12Arg; replaces serine 12 with arginine.
Molecular consequence: missense variant. On other transcripts: 5 prime UTR variant (4), non-coding transcript variant (1).
Genome position (GRCh38, 1-based): chr22:29,604,032, A>C. VCF-style: chr22-29604032-A-C. GRCh37 (hg19) VCF-style: chr22-30000021-A-C.
Other names: c.-197A>C (NM_001407053.1, NM_001407056.1); c.34A>C, p.Ser12Arg (NM_001407054.1, NM_001407055.1, NM_001407057.1 and 15 more transcripts); c.-607A>C (NM_001407065.1); c.-223A>C (NM_001407067.1); short protein forms S12R.
Identifiers: ClinVar variation 3231096 (VCV003231096.1), dbSNP rs2518226368, ClinGen allele CA411145867.